The following is an entry in ClinVar:

ClinVar aggregate classification (germline): Uncertain significance (1 of 4 stars; one submission).

Allele frequency attached by ClinVar (database versions not stated): gnomAD exomes below 0.00001.
gnomAD v4.1: 2 of 1,613,944 alleles (0.00012%); highest among the groups gnomAD compares: South Asian, 0.0022%; no homozygotes.

Submission:

Labcorp Genetics (formerly Invitae), Labcorp
Classification: Uncertain significance. Last evaluated: 2022-03-31. Review status: criteria provided, single submitter. Criteria: Invitae Variant Classification Sherloc (09022015). Collection method: clinical testing. Allele origin: germline.
Comment: Algorithms developed to predict the effect of missense changes on protein structure and function (SIFT, PolyPhen-2, Align-GVGD) all suggest that this variant is likely to be disruptive. This sequence change replaces tyrosine, which is neutral and polar, with cysteine, which is neutral and slightly polar, at codon 4238 of the USH2A protein (p.Tyr4238Cys). This variant is not present in population databases (gnomAD no frequency). This variant has not been reported in the literature in individuals affected with USH2A-related conditions. In summary, the available evidence is currently insufficient to determine the role of this variant in disease. Therefore, it has been classified as a Variant of Uncertain Significance.

NM_206933.4(USH2A):c.12713A>G (p.Tyr4238Cys)

Gene: USH2A (usherin; minus strand). Cytogenetic location: 1q41.
Variant type: single nucleotide variant.
Coding change: c.12713A>G on transcript NM_206933.4 (MANE Select); coding-DNA position 12713, A replaced by G.
Protein change: p.Tyr4238Cys; replaces tyrosine 4238 with cysteine.
Molecular consequence: missense variant.
Genome position (GRCh38, 1-based): chr1:215,675,198, T>C on the plus strand (A>G on the coding strand, the complement: USH2A is on the minus strand). VCF-style: chr1-215675198-T-C. GRCh37 (hg19) VCF-style: chr1-215848540-T-C.
Other names: short protein forms Y4238C.
Identifiers: ClinVar variation 1938368 (VCV001938368.5), dbSNP rs2464898779, ClinGen allele CA344849652.